The following is an entry in ClinVar:

NM_017646.6(TRIT1):c.58C>T (p.Gln20Ter)

Genes: MYCL-AS1 (MYCL antisense RNA 1; plus strand), TRIT1 (tRNA isopentenyltransferase 1; minus strand). Cytogenetic location: 1p34.2.
Variant type: single nucleotide variant.
Coding change: c.58C>T on transcript NM_017646.6 (MANE Select); coding-DNA position 58, C replaced by T.
Protein change: p.Gln20Ter; replaces glutamine 20 with a stop codon.
Molecular consequence: nonsense.
Genome position (GRCh38, 1-based): chr1:39,883,434, G>A on the plus strand (C>T on the coding strand, the complement: TRIT1 is on the minus strand). VCF-style: chr1-39883434-G-A. GRCh37 (hg19) VCF-style: chr1-40349106-G-A.
Other names: c.58C>T, p.Gln20Ter (NM_001312691.2, NM_001312692.2); short protein forms Q20*.
Identifiers: ClinVar variation 3605774 (VCV003605774.2).

ClinVar aggregate classification (germline): Pathogenic (1 of 4 stars; one submission).

gnomAD v4.1: 4 of 1,613,348 alleles (0.00025%); highest among the groups gnomAD compares: Non-Finnish European, 0.00025%; no homozygotes.

Submission:

Labcorp Genetics (formerly Invitae), Labcorp
Classification: Pathogenic. Last evaluated: 2024-11-21. Review status: criteria provided, single submitter. Criteria: Invitae Variant Classification Sherloc (09022015). Collection method: clinical testing. Allele origin: germline.
Comment: This sequence change creates a premature translational stop signal (p.Gln20*) in the TRIT1 gene. It is expected to result in an absent or disrupted protein product. Loss-of-function variants in TRIT1 are known to be pathogenic (PMID: 24901367, 28185376). This variant is present in population databases (no rsID available, gnomAD 0.003%). This variant has not been reported in the literature in individuals affected with TRIT1-related conditions. Algorithms developed to predict the effect of sequence changes on RNA splicing suggest that this variant may create or strengthen a splice site. For these reasons, this variant has been classified as Pathogenic.

Literature cited by the submitters: PubMed 24901367; PubMed 28185376.